The following is an entry in ClinVar:

NC_000006.12:g.(?_109825078)_(109825275_?)del

Gene: FIG4 (FIG4 phosphoinositide 5-phosphatase; plus strand). Cytogenetic location: 6q21.
Variant type: Deletion.
Identifiers: ClinVar variation 830628 (VCV000830628.7).

ClinVar aggregate classification (germline): Uncertain significance (1 of 4 stars; one submission).

Conditions:
Charcot-Marie-Tooth disease type 4. Also called: Charcot-Marie-Tooth disease, type IV; Charcot-Marie-Tooth, Type 4. Identifiers: Orphanet 64749, MedGen C4082197, MONDO:0018995.

Submission:

Labcorp Genetics (formerly Invitae), Labcorp
Classification: Uncertain significance for Charcot-Marie-Tooth disease type 4. Last evaluated: 2022-02-03. Review status: criteria provided, single submitter. Criteria: Invitae Variant Classification Sherloc (09022015). Collection method: clinical testing. Allele origin: germline.
Comment: Experimental studies and prediction algorithms are not available or were not evaluated, and the functional significance of this variant is currently unknown. This variant has not been reported in the literature in individuals affected with FIG4-related conditions. This variant is a gross deletion of the genomic region encompassing exon(s) 23 of the FIG4 gene, which includes the termination codon. This deletion extends beyond the assayed region for this gene and therefore may encompass additional genes. While this deletion is not anticipated to lead to nonsense mediated decay, it is expected to alter mRNA translation or result in a truncated protein product. In summary, the available evidence is currently insufficient to determine the role of this variant in disease. Therefore, it has been classified as a Variant of Uncertain Significance.